The following is an entry in ClinVar:

NM_173551.5(ANKS6):c.938A>C (p.Asp313Ala)

Gene: ANKS6 (ankyrin repeat and sterile alpha motif domain containing 6; minus strand). Cytogenetic location: 9q22.33.
Variant type: single nucleotide variant.
Coding change: c.938A>C on transcript NM_173551.5 (MANE Select); coding-DNA position 938, A replaced by C.
Protein change: p.Asp313Ala; replaces aspartic acid 313 with alanine.
Molecular consequence: missense variant.
Genome position (GRCh38, 1-based): chr9:98,784,127, T>G on the plus strand (A>C on the coding strand, the complement: ANKS6 is on the minus strand). VCF-style: chr9-98784127-T-G. GRCh37 (hg19) VCF-style: chr9-101546409-T-G.
Other names: short protein forms D313A.
Identifiers: ClinVar variation 996118 (VCV000996118.4), dbSNP rs1834431047, ClinGen allele CA374217392.
Genomic context (GRCh38, chr9:98,784,127, plus strand): 5'-GCTAGCATCAGTGGCGTCGCCCCGTCCCCATTGACCAAGTTCACGTGGCTGGGGTCTTCA[T>G]CGGCAATCTCTTTGACCAGCTGGAAGTTTCCTGCAAACACAAGCAGGAGTCCGGGTGAAC-3'
Protein context (NP_775822.3, residues 303-323): GNFQLVKEIA[Asp313Ala]EDPSHVNLVN

ClinVar aggregate classification (germline): Conflicting classifications of pathogenicity. Review status: criteria provided, conflicting classifications (1 of 4 stars). 2 submissions from 2 submitters: Likely pathogenic (1); Uncertain significance (1). Last evaluated 2025-07-18.

Conditions:
Nephronophthisis 16 (NPHP16). Identifiers: Orphanet 655, MedGen C3809320, MONDO:0014158, OMIM 615382.

Submissions (2):

GeneDx
Classification: Uncertain significance. Last evaluated: 2025-07-18. Review status: criteria provided, single submitter. Criteria: GeneDx Variant Classification Process June 2021. Collection method: clinical testing. Allele origin: germline. Affected: yes.
Comment: Not observed at significant frequency in large population cohorts (gnomAD); In silico analysis supports that this missense variant has a deleterious effect on protein structure/function; Has not been previously published as pathogenic or benign to our knowledge

Institute of Human Genetics, University of Leipzig Medical Center
Classification: Likely pathogenic for Nephronophthisis 16. Last evaluated: 2021-02-02. Review status: criteria provided, single submitter. Criteria: ACMG Guidelines, 2015. Collection method: clinical testing. Allele origin: maternal. Affected: yes.
Comment: This missense variant was identified in cis with another missense change and the allele designated as c.[934G>C; 938A>C], p.[(Ala312Pro);(Asp313Ala)]. The variant was inherited maternally in two affected sibling. It was classified as Likely pathogenic based on PM1_Supporting, PM2_Supporting, PM3_Strong, PP1_Supporting, PP3_Supporting. The paternal allele carries the splice variant c.1973-3C>G, p.Gly658Glufs*61.